The following is an entry in ClinVar:

ClinVar aggregate classification (germline): not provided (0 of 4 stars; one submission).

Allele frequency attached by ClinVar (database versions not stated): gnomAD exomes below 0.00001; gnomAD 0.00001.
gnomAD v4.1: 5 of 1,582,054 alleles (0.00032%); highest among the groups gnomAD compares: African/African-American, 0.0055%; no homozygotes.

Submission:

Human Evolutionary Genetics, Institut Pasteur
No classification provided. Review status: no classification provided. Collection method: not provided. Allele origin: germline.
ClinVar note: Converted during submission from untested to not provided.

NM_001276700.2(NLRP6):c.311-26G>T

Gene: NLRP6 (NLR family pyrin domain containing 6; plus strand). Cytogenetic location: 11p15.5.
Variant type: single nucleotide variant.
Coding change: c.311-26G>T on transcript NM_001276700.2 (MANE Select); 26 bases into the intron before coding-DNA position 311, G replaced by T.
Molecular consequence: intron variant.
Genome position (GRCh38, 1-based): chr11:279,808, G>T. VCF-style: chr11-279808-G-T. GRCh37 (hg19) VCF-style: chr11-279808-G-T.
Other names: c.311-26G>T (NM_138329.2).
Identifiers: ClinVar variation 103252 (VCV000103252.2), dbSNP rs199475798, ClinGen allele CA230318.